The following is an entry in ClinVar:

ClinVar aggregate classification (germline): Uncertain significance (1 of 4 stars; one submission).

gnomAD v4.1: 6 of 1,614,078 alleles (0.00037%); highest among the groups gnomAD compares: Non-Finnish European, 0.00051%; no homozygotes.

Submission:

Labcorp Genetics (formerly Invitae), Labcorp
Classification: Uncertain significance. Last evaluated: 2025-04-10. Review status: criteria provided, single submitter. Criteria: Invitae Variant Classification Sherloc (09022015). Collection method: clinical testing. Allele origin: germline.
Comment: This sequence change replaces asparagine, which is neutral and polar, with aspartic acid, which is acidic and polar, at codon 412 of the CSF1R protein (p.Asn412Asp). This variant is not present in population databases (gnomAD no frequency). This variant has not been reported in the literature in individuals affected with CSF1R-related conditions. Invitae Evidence Modeling of protein sequence and biophysical properties (such as structural, functional, and spatial information, amino acid conservation, physicochemical variation, residue mobility, and thermodynamic stability) indicates that this missense variant is not expected to disrupt CSF1R protein function with a negative predictive value of 95%. In summary, the available evidence is currently insufficient to determine the role of this variant in disease. Therefore, it has been classified as a Variant of Uncertain Significance.

NM_001288705.3(CSF1R):c.1234A>G (p.Asn412Asp)

Gene: CSF1R (colony stimulating factor 1 receptor; minus strand). Cytogenetic location: 5q32.
Variant type: single nucleotide variant.
Coding change: c.1234A>G on transcript NM_001288705.3 (MANE Select); coding-DNA position 1234, A replaced by G.
Protein change: p.Asn412Asp; replaces asparagine 412 with aspartic acid.
Molecular consequence: missense variant. On other transcripts: non-coding transcript variant (2).
Genome position (GRCh38, 1-based): chr5:150,070,267, T>C on the plus strand (A>G on the coding strand, the complement: CSF1R is on the minus strand). VCF-style: chr5-150070267-T-C. GRCh37 (hg19) VCF-style: chr5-149449830-T-C.
Other names: c.1234A>G, p.Asn412Asp (NM_001349736.2, NM_001375320.1, NM_005211.4); c.790A>G, p.Asn264Asp (NM_001375321.1); short protein forms N412D, N264D.
Identifiers: ClinVar variation 4775621 (VCV004775621.1).